The following is an entry in ClinVar:

NM_000455.5(STK11):c.219C>T (p.Cys73=)

Gene: STK11 (serine/threonine kinase 11; plus strand). Cytogenetic location: 19p13.3.
Variant type: single nucleotide variant.
Coding change: c.219C>T on transcript NM_000455.5 (MANE Select); coding-DNA position 219, C replaced by T.
Protein change: p.Cys73=; no amino-acid change (cysteine 73 retained).
Molecular consequence: synonymous variant.
Genome position (GRCh38, 1-based): chr19:1,207,132, C>T. VCF-style: chr19-1207132-C-T. GRCh37 (hg19) VCF-style: chr19-1207131-C-T.
Identifiers: ClinVar variation 183973 (VCV000183973.16), dbSNP rs761825242, ClinGen allele CA022728.
Genomic context (GRCh38, chr19:1,207,132, plus strand): 5'-CCTGCTGGGGGAAGGCTCTTACGGCAAGGTGAAGGAGGTGCTGGACTCGGAGACGCTGTG[C>T]AGGAGGGCCGTCAAGATCCTCAAGAAGAAGAAGTTGCGAAGGATCCCCAACGGGGAGGCC-3'
Protein context (NP_000446.1, residues 63-83): VKEVLDSETL[Cys73=]RRAVKILKKK

ClinVar aggregate classification (germline): Benign/Likely benign. Review status: criteria provided, multiple submitters, no conflicts (2 of 4 stars). 5 submissions from 5 submitters: Benign (2); Likely benign (3). Last evaluated 2025-09-22.

Conditions:
Hereditary cancer-predisposing syndrome. Also called: Tumor predisposition; Hereditary Cancer Syndrome; Hereditary neoplastic syndrome; Neoplastic Syndromes, Hereditary. Identifiers: Orphanet 140162, MedGen C0027672, MeSH D009386, MONDO:0015356.
Peutz-Jeghers syndrome (PJS). Also called: POLYPOSIS, HAMARTOMATOUS INTESTINAL; POLYPS-AND-SPOTS SYNDROME; Peutz-Jeghers polyposis; Periorificial lentiginosis syndrome. Identifiers: Orphanet 2869, MedGen C0031269, MeSH D010580, MONDO:0008280, OMIM 175200.

Allele frequency attached by ClinVar (database versions not stated): ExAC 0.00001; gnomAD exomes 0.00001.
gnomAD v4.1: 8 of 1,613,612 alleles (0.0005%); highest among the groups gnomAD compares: South Asian, 0.0066%; no homozygotes.

Submissions (5):

Color Diagnostics, LLC DBA Color Health
Classification: Likely benign for Hereditary cancer-predisposing syndrome. Last evaluated: 2025-09-22. Review status: criteria provided, single submitter. Criteria: ACMG Guidelines, 2015. Collection method: clinical testing. Allele origin: germline.

Labcorp Genetics (formerly Invitae), Labcorp
Classification: Likely benign for Peutz-Jeghers syndrome. Last evaluated: 2025-09-19. Review status: criteria provided, single submitter. Criteria: Invitae Variant Classification Sherloc (09022015). Collection method: clinical testing. Allele origin: germline.

Myriad Genetics, Inc.
Classification: Benign for Peutz-Jeghers syndrome. Last evaluated: 2025-03-25. Review status: criteria provided, single submitter. Criteria: Myriad Autosomal Dominant, Autosomal Recessive and X-Linked Classification Criteria (2023). Collection method: clinical testing. Allele origin: unknown.
Comment: This variant is considered benign. This variant is a silent/synonymous amino acid change and it is not expected to impact splicing.

KCCC/NGS Laboratory, Kuwait Cancer Control Center
Classification: Benign for Peutz-Jeghers syndrome. Last evaluated: 2025-02-01. Review status: criteria provided, single submitter. Criteria: ACMG Guidelines, 2015. Collection method: clinical testing. Allele origin: germline. Affected: no.

Ambry Genetics
Classification: Likely benign for Hereditary cancer-predisposing syndrome. Last evaluated: 2020-11-12. Review status: criteria provided, single submitter. Criteria: Ambry Variant Classification Scheme 2023. Collection method: clinical testing. Allele origin: germline.